The following is an entry in ClinVar:

ClinVar aggregate classification (germline): Benign/Likely benign. Review status: criteria provided, multiple submitters, no conflicts (2 of 4 stars). 10 submissions from 10 submitters: Benign (7); Likely benign (3). Last evaluated 2026-02-04.

Conditions:
Hereditary nonpolyposis colon cancer (HNPCC). Also called: Hereditary nonpolyposis colorectal cancer; Familial nonpolyposis colon cancer; Hereditary Nonpolyposis Colorectal Cancer Syndrome. Identifiers: Orphanet 443909, MedGen C1333990, MONDO:0018630. Disease mechanism: loss of function.
Patterned macular dystrophy 2. Identifiers: Orphanet 99001, MedGen C1837029, MONDO:0012162, OMIM 608970.
Hereditary cancer-predisposing syndrome. Also called: Tumor predisposition; Neoplastic Syndromes, Hereditary; Hereditary Cancer Syndrome; Hereditary neoplastic syndrome. Identifiers: Orphanet 140162, MedGen C0027672, MeSH D009386, MONDO:0015356.
Hereditary diffuse gastric adenocarcinoma (HDGC). Also called: DIFFUSE GASTRIC AND LOBULAR BREAST CANCER SYNDROME. Identifiers: Orphanet 26106, MedGen C1708349, MONDO:0007648, OMIM 137215.

Allele frequency attached by ClinVar (database versions not stated): 1000 Genomes Project 0.00919; 1000 Genomes Project 30x 0.00984; gnomAD 0.01930 and 0.02031; gnomAD exomes 0.01982 and 0.02323; TOPMed 0.02011; ExAC 0.02016; ESP Exome Variant Server 0.02184.
gnomAD v4.1: 36,828 of 1,613,280 alleles (2.3%); highest among the groups gnomAD compares: Non-Finnish European, 2.6%; 550 homozygotes.

Submissions (10):

Labcorp Genetics (formerly Invitae), Labcorp
Classification: Benign. Last evaluated: 2026-02-04. Review status: criteria provided, single submitter. Criteria: Invitae Variant Classification Sherloc (09022015). Collection method: clinical testing. Allele origin: germline.

Mayo Clinic Laboratories, Mayo Clinic
Classification: Likely benign. Last evaluated: 2025-07-29. Review status: criteria provided, single submitter. Criteria: ACMG Guidelines, 2015. Collection method: clinical testing. Allele origin: germline. Observed: 16 variant alleles.
Comment: BS1, BP4, BP7

ARUP Laboratories, Molecular Genetics and Genomics, ARUP Laboratories
Classification: Benign for Patterned macular dystrophy 2. Last evaluated: 2025-06-17. Review status: criteria provided, single submitter. Criteria: ARUP Molecular Germline Variant Investigation Process 2024. Collection method: clinical testing. Allele origin: germline.

Center for Genomic Medicine, Rigshospitalet, Copenhagen University Hospital
Classification: Benign. Last evaluated: 2025-03-04. Review status: criteria provided, single submitter. Criteria: ACMG Guidelines, 2015. Collection method: clinical testing. Allele origin: germline.

Blueprint Genetics
Classification: Benign. Last evaluated: 2024-11-27. Review status: criteria provided, single submitter. Criteria: ACMG Guidelines, 2015. Collection method: clinical testing. Allele origin: germline.

Myriad Genetics, Inc.
Classification: Benign for Hereditary diffuse gastric adenocarcinoma. Last evaluated: 2024-10-15. Review status: criteria provided, single submitter. Criteria: Myriad Autosomal Dominant, Autosomal Recessive and X-Linked Classification Criteria (2023). Collection method: clinical testing. Allele origin: unknown.
Comment: This variant is considered benign. This variant is a silent/synonymous amino acid change and it is not expected to impact splicing.

GeneDx
Classification: Likely benign. Last evaluated: 2021-05-21. Review status: criteria provided, single submitter. Criteria: GeneDx Variant Classification Process June 2021. Collection method: clinical testing. Allele origin: germline. Affected: yes.

Department of Pathology and Laboratory Medicine, Sinai Health System
Classification: Benign for hereditary nonpolyposis colon cancer. Last evaluated: 2021-05-03. Review status: criteria provided, single submitter. Criteria: ACMG Guidelines, 2015. Collection method: clinical testing. Allele origin: germline. Affected: yes.

Ambry Genetics
Classification: Benign for Hereditary cancer-predisposing syndrome. Last evaluated: 2019-05-08. Review status: criteria provided, single submitter. Criteria: Ambry Variant Classification Scheme 2023. Collection method: clinical testing. Allele origin: germline.

Breakthrough Genomics
Classification: Likely benign. Review status: criteria provided, single submitter. Criteria: ACMG Guidelines, 2015. Collection method: not provided. Allele origin: germline. Inheritance: Autosomal dominant inheritance. Affected: yes.

NM_001903.5(CTNNA1):c.2226C>G (p.Val742=)

Gene: CTNNA1 (catenin alpha 1; plus strand). Cytogenetic location: 5q31.2.
Variant type: single nucleotide variant.
Coding change: c.2226C>G on transcript NM_001903.5 (MANE Select); coding-DNA position 2226, C replaced by G.
Protein change: p.Val742=; no amino-acid change (valine 742 retained).
Molecular consequence: synonymous variant.
Genome position (GRCh38, 1-based): chr5:138,930,863, C>G. VCF-style: chr5-138930863-C-G. GRCh37 (hg19) VCF-style: chr5-138266552-C-G.
Other names: p.Val742=; c.2226C>G, p.Val742= (NM_001290307.3, NM_001323982.2, NM_001323983.1 and 2 more transcripts); c.1917C>G, p.Val639= (NM_001290309.3); c.1857C>G, p.Val619= (NM_001290310.3); c.1116C>G, p.Val372= (NM_001290312.1, NM_001323987.1, NM_001323988.1 and 17 more transcripts); c.2133C>G, p.Val711= (NM_001323986.2); c.777C>G, p.Val259= (NM_001324006.1, NM_001324007.1, NM_001324008.1 and 2 more transcripts); c.1023C>G, p.Val341= (NM_001324011.1); and 1 more.
Identifiers: ClinVar variation 224932 (VCV000224932.25), dbSNP rs11552052, ClinGen allele CA356471.